The following is an entry in ClinVar:

ClinVar aggregate classification (germline): Uncertain significance (1 of 4 stars; one submission).

gnomAD v4.1: 5 of 1,590,608 alleles (0.00031%); highest among the groups gnomAD compares: Middle Eastern, 0.017%; no homozygotes.

Submission:

Labcorp Genetics (formerly Invitae), Labcorp
Classification: Uncertain significance. Last evaluated: 2022-06-27. Review status: criteria provided, single submitter. Criteria: Invitae Variant Classification Sherloc (09022015). Collection method: clinical testing. Allele origin: germline.
Comment: This variant has not been reported in the literature in individuals affected with KIAA1549-related conditions. In summary, the available evidence is currently insufficient to determine the role of this variant in disease. Therefore, it has been classified as a Variant of Uncertain Significance. Algorithms developed to predict the effect of missense changes on protein structure and function are either unavailable or do not agree on the potential impact of this missense change (SIFT: "Tolerated"; PolyPhen-2: "Probably Damaging"; Align-GVGD: "Class C0"). This variant is present in population databases (no rsID available, gnomAD 0.004%). This sequence change replaces glycine, which is neutral and non-polar, with alanine, which is neutral and non-polar, at codon 1896 of the KIAA1549 protein (p.Gly1896Ala).

NM_001164665.2(KIAA1549):c.5687G>C (p.Gly1896Ala)

Gene: KIAA1549 (KIAA1549; minus strand). Cytogenetic location: 7q34.
Variant type: single nucleotide variant.
Coding change: c.5687G>C on transcript NM_001164665.2 (MANE Select); coding-DNA position 5687, G replaced by C.
Protein change: p.Gly1896Ala; replaces glycine 1896 with alanine.
Molecular consequence: missense variant.
Genome position (GRCh38, 1-based): chr7:138,838,072, C>G on the plus strand (G>C on the coding strand, the complement: KIAA1549 is on the minus strand). VCF-style: chr7-138838072-C-G. GRCh37 (hg19) VCF-style: chr7-138522817-C-G.
Other names: c.5639G>C, p.Gly1880Ala (NM_020910.3); short protein forms G1880A, G1896A.
Identifiers: ClinVar variation 1933775 (VCV001933775.5), dbSNP rs1172079070, ClinGen allele CA369383928.